The following is an entry in ClinVar:

ClinVar aggregate classification (germline): Benign/Likely benign. Review status: criteria provided, multiple submitters, no conflicts (2 of 4 stars). 5 submissions from 5 submitters: Benign (2); Likely benign (3). Last evaluated 2025-12-30.

Conditions:
Inborn genetic diseases. Identifiers: MedGen C0950123, MeSH D030342.

Allele frequency attached by ClinVar (database versions not stated): gnomAD exomes 0.00012 and 0.00029; ExAC 0.00022; ESP Exome Variant Server 0.00026; 1000 Genomes Project 30x 0.00047; 1000 Genomes Project 0.00060; gnomAD 0.00076 and 0.00084; TOPMed 0.00087.
gnomAD v4.1: 295 of 1,551,950 alleles (0.019%); highest among the groups gnomAD compares: African/African-American, 0.21%; 1 homozygote.

Submissions (5):

Labcorp Genetics (formerly Invitae), Labcorp
Classification: Benign. Last evaluated: 2025-12-30. Review status: criteria provided, single submitter. Criteria: Invitae Variant Classification Sherloc (09022015). Collection method: clinical testing. Allele origin: germline.

Blueprint Genetics
Classification: Likely benign. Last evaluated: 2024-10-15. Review status: criteria provided, single submitter. Criteria: ACMG Guidelines, 2015. Collection method: clinical testing. Allele origin: germline.

CeGaT Center for Human Genetics Tuebingen
Classification: Likely benign. Last evaluated: 2024-02-01. Review status: criteria provided, single submitter. Criteria: CeGaT Center For Human Genetics Tuebingen Variant Classification Criteria Version 2. Collection method: clinical testing. Allele origin: germline. Affected: yes. Observed: 1 variant allele.
Comment: CHD8: BP4, BP7, BS1

GeneDx
Classification: Benign. Last evaluated: 2018-12-13. Review status: criteria provided, single submitter. Criteria: GeneDx Variant Classification Process June 2021. Collection method: clinical testing. Allele origin: germline. Affected: yes.

Ambry Genetics
Classification: Likely benign for Inborn genetic diseases. Last evaluated: 2017-12-07. Review status: criteria provided, single submitter. Criteria: Ambry Variant Classification Scheme 2023. Collection method: clinical testing. Allele origin: germline.

NM_001170629.2(CHD8):c.7203G>A (p.Val2401=)

Gene: CHD8 (chromodomain helicase DNA binding protein 8; minus strand). Cytogenetic location: 14q11.2.
Variant type: single nucleotide variant.
Coding change: c.7203G>A on transcript NM_001170629.2 (MANE Select); coding-DNA position 7203, G replaced by A.
Protein change: p.Val2401=; no amino-acid change (valine 2401 retained).
Molecular consequence: synonymous variant.
Genome position (GRCh38, 1-based): chr14:21,386,156, C>T on the plus strand (G>A on the coding strand, the complement: CHD8 is on the minus strand). VCF-style: chr14-21386156-C-T. GRCh37 (hg19) VCF-style: chr14-21854315-C-T.
Other names: c.6366G>A, p.Val2122= (NM_020920.4).
Identifiers: ClinVar variation 703878 (VCV000703878.35), dbSNP rs181239271, ClinGen allele CA7090575.